The following is an entry in ClinVar:

NM_000135.4(FANCA):c.3715_3729del (p.Glu1239_Arg1243del)

Gene: FANCA (FA complementation group A; minus strand). Cytogenetic location: 16q24.3.
Variant type: Deletion.
Coding change: c.3715_3729del on transcript NM_000135.4 (MANE Select); coding-DNA positions 3715 to 3729, 15 bases deleted (GAAGAAAACATCAGG).
Protein change: p.Glu1239_Arg1243del.
Molecular consequence: inframe deletion.
Genome position (GRCh38, 1-based): chr16:89,742,836-89,742,850, CCTGATGTTTTCTTC deleted on the plus strand (GAAGAAAACATCAGG on the coding strand, the reverse complement: FANCA is on the minus strand); deleting any 15 consecutive bases within chr16:89,742,836-89,742,855 gives the same sequence; the c. name uses the placement nearest the transcript's 3' end. VCF-style (leftmost placement, unchanged base first): chr16-89742835-TCCTGATGTTTTCTTC-T. GRCh37 (hg19) VCF-style: chr16-89809243-TCCTGATGTTTTCTTC-T.
Other names: c.3715_3729del, p.Glu1239_Arg1243del (NM_001286167.3).
Identifiers: ClinVar variation 974165 (VCV000974165.1), dbSNP rs1375036674, ClinGen allele CA624454791.

ClinVar aggregate classification (germline): Pathogenic (0 of 4 stars; one submission).

Conditions:
Fanconi anemia complementation group A (FANCA). Also called: Fanconi anemia, group A; FANCA-Related Fanconi Anemia. Identifiers: Orphanet 84, MedGen C3469521, MONDO:0009215, OMIM 227650.

Submission:

Leiden Open Variation Database
Classification: Pathogenic for Fanconi anemia complementation group A. Last evaluated: 2020-02-28. Review status: no assertion criteria provided. Collection method: curation. Allele origin: germline. Affected: yes.
Comment: Curator: Arleen D. Auerbach. Submitter to LOVD: Arleen D. Auerbach.

Literature cited by the submitters: PubMed 12444097.